The following is an entry in ClinVar:

ClinVar aggregate classification (germline): Conflicting classifications of pathogenicity. Review status: criteria provided, conflicting classifications (1 of 4 stars). 3 submissions from 3 submitters: Uncertain significance (2); Likely benign (1). Last evaluated 2024-10-23.

Conditions:
MEGF8-related Carpenter syndrome. Also called: Carpenter syndrome 2. Identifiers: Orphanet 65759, MedGen C3554247, MONDO:0013998, OMIM 614976.
Inborn genetic diseases. Identifiers: MedGen C0950123, MeSH D030342.

Allele frequency attached by ClinVar (database versions not stated): gnomAD exomes 0.00003 and 0.00017; gnomAD 0.00004; TOPMed 0.00006; ExAC 0.00012.
gnomAD v4.1: 51 of 1,608,820 alleles (0.0032%); highest among the groups gnomAD compares: Admixed American, 0.072%; no homozygotes.

Submissions (3):

Labcorp Genetics (formerly Invitae), Labcorp
Classification: Uncertain significance for MEGF8-related Carpenter syndrome. Last evaluated: 2024-10-23. Review status: criteria provided, single submitter. Criteria: Invitae Variant Classification Sherloc (09022015). Collection method: clinical testing. Allele origin: germline.
Comment: This sequence change replaces glycine, which is neutral and non-polar, with arginine, which is basic and polar, at codon 818 of the MEGF8 protein (p.Gly818Arg). This variant is present in population databases (rs746031284, gnomAD 0.1%). This variant has not been reported in the literature in individuals affected with MEGF8-related conditions. ClinVar contains an entry for this variant (Variation ID: 567834). An algorithm developed to predict the effect of missense changes on protein structure and function outputs the following: PolyPhen-2: "Benign". The arginine amino acid residue is found in multiple mammalian species, which suggests that this missense change does not adversely affect protein function. In summary, the available evidence is currently insufficient to determine the role of this variant in disease. Therefore, it has been classified as a Variant of Uncertain Significance.

Baylor Genetics
Classification: Uncertain significance for MEGF8-related Carpenter syndrome. Last evaluated: 2023-04-21. Review status: criteria provided, single submitter. Criteria: ACMG Guidelines, 2015. Collection method: clinical testing. Allele origin: unknown.

Ambry Genetics
Classification: Likely benign for Inborn genetic diseases. Last evaluated: 2021-08-16. Review status: criteria provided, single submitter. Criteria: Ambry Variant Classification Scheme 2023. Collection method: clinical testing. Allele origin: germline.

NM_001271938.2(MEGF8):c.2653G>A (p.Gly885Arg)

Gene: MEGF8 (multiple EGF like domains 8; plus strand). Cytogenetic location: 19q13.2.
Variant type: single nucleotide variant.
Coding change: c.2653G>A on transcript NM_001271938.2 (MANE Select); coding-DNA position 2653, G replaced by A.
Protein change: p.Gly885Arg; replaces glycine 885 with arginine.
Molecular consequence: missense variant.
Genome position (GRCh38, 1-based): chr19:42,350,301, G>A. VCF-style: chr19-42350301-G-A. GRCh37 (hg19) VCF-style: chr19-42854453-G-A.
Other names: c.2452G>A, p.Gly818Arg (NM_001410.3); short protein forms G818R, G885R.
Identifiers: ClinVar variation 567834 (VCV000567834.9), dbSNP rs746031284, ClinGen allele CA9474772.